The following is an entry in ClinVar:

ClinVar aggregate classification (germline): Uncertain significance (1 of 4 stars; one submission).

Conditions:
Intellectual developmental disorder, autosomal dominant 1. Also called: Intellectual disability, autosomal dominant 1; MBD5 Haploinsufficiency. Identifiers: Orphanet 228402, MedGen C1969562, MONDO:0007974, OMIM 156200.

Allele frequency attached by ClinVar (database versions not stated): gnomAD exomes 0.00001.
gnomAD v4.1: 6 of 1,613,974 alleles (0.00037%); highest among the groups gnomAD compares: Admixed American, 0.0033%; no homozygotes.

Submission:

Labcorp Genetics (formerly Invitae), Labcorp
Classification: Uncertain significance for Intellectual developmental disorder, autosomal dominant 1. Last evaluated: 2024-03-16. Review status: criteria provided, single submitter. Criteria: Invitae Variant Classification Sherloc (09022015). Collection method: clinical testing. Allele origin: germline.
Comment: This sequence change replaces methionine, which is neutral and non-polar, with lysine, which is basic and polar, at codon 795 of the MBD5 protein (p.Met795Lys). This variant is present in population databases (no rsID available, gnomAD 0.006%). This variant has not been reported in the literature in individuals affected with MBD5-related conditions. ClinVar contains an entry for this variant (Variation ID: 569925). Advanced modeling of protein sequence and biophysical properties (such as structural, functional, and spatial information, amino acid conservation, physicochemical variation, residue mobility, and thermodynamic stability) performed at Invitae indicates that this missense variant is not expected to disrupt MBD5 protein function with a negative predictive value of 80%. In summary, the available evidence is currently insufficient to determine the role of this variant in disease. Therefore, it has been classified as a Variant of Uncertain Significance.

NM_001378120.1(MBD5):c.2384T>A (p.Met795Lys)

Gene: MBD5 (methyl-CpG binding domain protein 5; plus strand). Cytogenetic location: 2q23.1.
Variant type: single nucleotide variant.
Coding change: c.2384T>A on transcript NM_001378120.1 (MANE Select); coding-DNA position 2384, T replaced by A.
Protein change: p.Met795Lys; replaces methionine 795 with lysine.
Molecular consequence: missense variant.
Genome position (GRCh38, 1-based): chr2:148,470,327, T>A. VCF-style: chr2-148470327-T-A. GRCh37 (hg19) VCF-style: chr2-149227896-T-A.
Other names: c.2384T>A, p.Met795Lys (NM_018328.5); short protein forms M795K.
Identifiers: ClinVar variation 569925 (VCV000569925.9), dbSNP rs1446479503, ClinGen allele CA348721749.